The following is an entry in ClinVar:

NM_032043.3(BRIP1):c.131T>G (p.Leu44Trp)

Gene: BRIP1 (BRCA1 interacting DNA helicase 1; minus strand). Cytogenetic location: 17q23.2.
Variant type: single nucleotide variant.
Coding change: c.131T>G on transcript NM_032043.3 (MANE Select); coding-DNA position 131, T replaced by G.
Protein change: p.Leu44Trp; replaces leucine 44 with tryptophan.
Molecular consequence: missense variant.
Genome position (GRCh38, 1-based): chr17:61,859,870, A>C on the plus strand (T>G on the coding strand, the complement: BRIP1 is on the minus strand). VCF-style: chr17-61859870-A-C. GRCh37 (hg19) VCF-style: chr17-59937231-A-C.
Other names: short protein forms L44W.
Identifiers: ClinVar variation 3993161 (VCV003993161.1).

ClinVar aggregate classification (germline): Uncertain significance (1 of 4 stars; one submission).

Conditions:
Hereditary cancer-predisposing syndrome. Also called: Tumor predisposition; Hereditary neoplastic syndrome; Neoplastic Syndromes, Hereditary; Hereditary Cancer Syndrome. Identifiers: Orphanet 140162, MedGen C0027672, MeSH D009386, MONDO:0015356.

Submission:

Ambry Genetics
Classification: Uncertain significance for Hereditary cancer-predisposing syndrome. Last evaluated: 2025-05-19. Review status: criteria provided, single submitter. Criteria: Ambry Variant Classification Scheme 2023. Collection method: clinical testing. Allele origin: germline.
Comment: The p.L44W variant (also known as c.131T>G), located in coding exon 2 of the BRIP1 gene, results from a T to G substitution at nucleotide position 131. The leucine at codon 44 is replaced by tryptophan, an amino acid with similar properties. This amino acid position is conserved. In addition, this alteration is predicted to be deleterious by in silico analysis. Based on the available evidence, the clinical significance of this variant remains unclear.